The following is an entry in ClinVar:

NM_001171.6(ABCC6):c.1302C>T (p.Leu434=)

Gene: ABCC6 (ATP binding cassette subfamily C member 6; minus strand). Cytogenetic location: 16p13.11.
Variant type: single nucleotide variant.
Coding change: c.1302C>T on transcript NM_001171.6 (MANE Select); coding-DNA position 1302, C replaced by T.
Protein change: p.Leu434=; no amino-acid change (leucine 434 retained).
Molecular consequence: synonymous variant. On other transcripts: non-coding transcript variant (1).
Genome position (GRCh38, 1-based): chr16:16,198,057, G>A on the plus strand (C>T on the coding strand, the complement: ABCC6 is on the minus strand). VCF-style: chr16-16198057-G-A. GRCh37 (hg19) VCF-style: chr16-16291914-G-A.
Other names: c.1302C>T (NM_001171.5); c.960C>T, p.Leu320= (NM_001351800.1).
Identifiers: ClinVar variation 1552885 (VCV001552885.11), dbSNP rs760935787, ClinGen allele CA7926375.
Genomic context (GRCh38, chr16:16,198,057, plus strand): 5'-TCCCGTCTTCCTCCTCTGGCATACCTGCCAGAGATAGACGAAGCAGACCACGATCCAGAC[G>A]AGAGGCAGCCACAGCCCGTTGAGGTAGAGGACGCTCTCGGTCAGCCGCTGCACGTCCACG-3'
Protein context (NP_001162.5, residues 424-444): VLYLNGLWLP[Leu434=]VWIVVCFVYL

ClinVar aggregate classification (germline): Likely benign. Review status: criteria provided, multiple submitters, no conflicts (2 of 4 stars). 3 submissions from 3 submitters: Likely benign (2). 1 of the submissions does not count toward it. Last evaluated 2025-06-15.

Conditions:
ABCC6-related disorder. Also called: ABCC6-related condition.

Allele frequency attached by ClinVar (database versions not stated): gnomAD exomes 0.00002 and 0.00003; gnomAD 0.00003; ExAC 0.00004; TOPMed 0.00005.
gnomAD v4.1: 32 of 1,613,968 alleles (0.002%); highest among the groups gnomAD compares: African/African-American, 0.0053%; no homozygotes.

Submissions (3):

Labcorp Genetics (formerly Invitae), Labcorp
Classification: Likely benign. Last evaluated: 2025-06-15. Review status: criteria provided, single submitter. Criteria: Invitae Variant Classification Sherloc (09022015). Collection method: clinical testing. Allele origin: germline.

Blueprint Genetics
Classification: Likely benign. Last evaluated: 2022-02-08. Review status: criteria provided, single submitter. Criteria: ACMG Guidelines, 2015. Collection method: clinical testing. Allele origin: germline.

PreventionGenetics, part of Exact Sciences
Classification: Likely benign for ABCC6-related condition. Last evaluated: 2023-01-18. Review status: no assertion criteria provided. Collection method: clinical testing. Allele origin: germline. Not counted in ClinVar's aggregate classification.
Comment: This variant is classified as likely benign based on ACMG/AMP sequence variant interpretation guidelines (Richards et al. 2015 PMID: 25741868, with internal and published modifications).